The following is an entry in ClinVar:

ClinVar aggregate classification (germline): Pathogenic (1 of 4 stars; one submission).

Conditions:
Multiple endocrine neoplasia, type 2 (MEN2). Identifiers: Orphanet 653, MedGen C4048306, MONDO:0019003. Disease mechanism: gain of function.

Submission:

Labcorp Genetics (formerly Invitae), Labcorp
Classification: Pathogenic for Multiple endocrine neoplasia, type 2. Last evaluated: 2022-12-09. Review status: criteria provided, single submitter. Criteria: Invitae Variant Classification Sherloc (09022015). Collection method: clinical testing. Allele origin: germline.
Comment: This variant is not present in population databases (gnomAD no frequency). For these reasons, this variant has been classified as Pathogenic. This variant has not been reported in the literature in individuals affected with RET-related conditions. This sequence change creates a premature translational stop signal (p.Cys449*) in the RET gene. It is expected to result in an absent or disrupted protein product. Loss-of-function variants in RET are known to be pathogenic (PMID: 22174939, 22648184).

Literature cited by the submitters: PubMed 22174939; PubMed 22648184.

NM_020975.6(RET):c.1347C>A (p.Cys449Ter)

Gene: RET (ret proto-oncogene; plus strand). Cytogenetic location: 10q11.21.
Variant type: single nucleotide variant.
Coding change: c.1347C>A on transcript NM_020975.6 (MANE Select); coding-DNA position 1347, C replaced by A.
Protein change: p.Cys449Ter; replaces cysteine 449 with a stop codon.
Molecular consequence: nonsense. On other transcripts: intron variant (15).
Genome position (GRCh38, 1-based): chr10:43,111,290, C>A. VCF-style: chr10-43111290-C-A. GRCh37 (hg19) VCF-style: chr10-43606738-C-A.
Other names: c.1347C>A, p.Cys449Ter (NM_000323.2, NM_001406743.1, NM_001406744.1 and 6 more transcripts); c.585C>A, p.Cys195Ter (NM_001355216.2); c.1218C>A, p.Cys406Ter (NM_001406761.1, NM_001406762.1, NM_001406764.1 and 1 more transcripts); c.1059C>A, p.Cys353Ter (NM_001406766.1, NM_001406767.1, NM_001406770.1); c.951C>A, p.Cys317Ter (NM_001406769.1, NM_001406772.1); c.909C>A, p.Cys303Ter (NM_001406771.1, NM_001406773.1); c.822C>A, p.Cys274Ter (NM_001406774.1); c.621C>A, p.Cys207Ter (NM_001406775.1, NM_001406776.1, NM_001406777.1 and 1 more transcripts); and 5 more; short protein forms C195*, C274*, C119*, C303*, C317*, C449*, C207*, C353*.
Identifiers: ClinVar variation 2819743 (VCV002819743.3), dbSNP rs2132768560, ClinGen allele CA376549130.